The following is an entry in ClinVar:

NM_000393.5(COL5A2):c.3377C>T (p.Pro1126Leu)

Gene: COL5A2 (collagen type V alpha 2 chain; minus strand). Cytogenetic location: 2q32.2.
Variant type: single nucleotide variant.
Coding change: c.3377C>T on transcript NM_000393.5 (MANE Select); coding-DNA position 3377, C replaced by T.
Protein change: p.Pro1126Leu; replaces proline 1126 with leucine.
Molecular consequence: missense variant.
Genome position (GRCh38, 1-based): chr2:189,043,245, G>A on the plus strand (C>T on the coding strand, the complement: COL5A2 is on the minus strand). VCF-style: chr2-189043245-G-A. GRCh37 (hg19) VCF-style: chr2-189907971-G-A.
Other names: short protein forms P1126L.
Identifiers: ClinVar variation 3390678 (VCV003390678.1).

ClinVar aggregate classification (germline): Uncertain significance (1 of 4 stars; one submission).

Submission:

GeneDx
Classification: Uncertain significance. Last evaluated: 2024-06-10. Review status: criteria provided, single submitter. Criteria: GeneDx Variant Classification Process June 2021. Collection method: clinical testing. Allele origin: germline. Affected: yes.
Comment: Not observed at significant frequency in large population cohorts (gnomAD); In silico analysis supports that this missense variant has a deleterious effect on protein structure/function; Has not been previously published as pathogenic or benign to our knowledge